The following is an entry in ClinVar:

NM_021098.3(CACNA1H):c.4777+3A>G

Gene: CACNA1H (calcium voltage-gated channel subunit alpha1 H; plus strand). Cytogenetic location: 16p13.3.
Variant type: single nucleotide variant.
Coding change: c.4777+3A>G on transcript NM_021098.3 (MANE Select); 3 bases into the intron after coding-DNA position 4777, A replaced by G.
Molecular consequence: intron variant.
Genome position (GRCh38, 1-based): chr16:1,212,531, A>G. VCF-style: chr16-1212531-A-G. GRCh37 (hg19) VCF-style: chr16-1262531-A-G.
Other names: c.4759+393A>G (NM_001005407.2).
Identifiers: ClinVar variation 3384849 (VCV003384849.1).
Genomic context (GRCh38, chr16:1,212,531, plus strand): 5'-CCACGCCCTCGGCCCTCAGACCATCTCCTTGTCTTTCCAGGCACTTTCCCCAGCCCAGGT[A>G]CCGGCCCTGTCCCGCATGCCTCAGGCCCCGCTTCTGCGGCCGCTGCTCGGGGAAGGGCGG-3'

ClinVar aggregate classification (germline): Uncertain significance (1 of 4 stars; one submission).

gnomAD v4.1: 45 of 1,610,468 alleles (0.0028%); highest among the groups gnomAD compares: Non-Finnish European, 0.0036%; no homozygotes.

Submission:

Women's Health and Genetics/Laboratory Corporation of America, LabCorp
Classification: Uncertain significance. Last evaluated: 2024-10-08. Review status: criteria provided, single submitter. Criteria: LabCorp Variant Classification Summary - May 2015. Collection method: clinical testing. Allele origin: germline.
Comment: Variant summary: CACNA1H c.4777+3A>G alters a nucleotide located close to a canonical splice site and therefore could affect mRNA splicing, leading to a significantly altered protein sequence. Several computational tools predict a significant impact on normal splicing: Two predict the variant abolishes a 5' splicing donor site. Two predict the variant weakens a 5' donor site. One predict the variant creates a 3' acceptor site. However, these predictions have yet to be confirmed by functional studies. The variant allele was found at a frequency of 8.3e-06 in 242064 control chromosomes. The available data on variant occurrences in the general population are insufficient to allow any conclusion about variant significance. To our knowledge, no occurrence of c.4777+3A>G in individuals affected with Idiopathic Generalized Epilepsy and no experimental evidence demonstrating its impact on protein function have been reported. No submitters have cited clinical-significance assessments for this variant to ClinVar. Based on the evidence outlined above, the variant was classified as uncertain significance.